The following is an entry in ClinVar:

ClinVar aggregate classification (germline): Likely benign. Review status: criteria provided, multiple submitters, no conflicts (2 of 4 stars). 5 submissions from 5 submitters: Likely benign (5). Last evaluated 2025-09-03.

Conditions:
Hereditary cancer-predisposing syndrome. Also called: Neoplastic Syndromes, Hereditary; Tumor predisposition; Hereditary Cancer Syndrome; Hereditary neoplastic syndrome. Identifiers: Orphanet 140162, MedGen C0027672, MeSH D009386, MONDO:0015356.
Familial adenomatous polyposis 2. Also called: Adenomas, multiple colorectal; COLORECTAL ADENOMATOUS POLYPOSIS, AUTOSOMAL RECESSIVE; ADENOMAS, MULTIPLE COLORECTAL, AUTOSOMAL RECESSIVE; MYH-associated polyposis; MUTYH Polyposis; FAP type 2. Identifiers: Orphanet 220460, Orphanet 247798, MedGen C3272841, MONDO:0012041, OMIM 608456.

Allele frequency attached by ClinVar (database versions not stated): gnomAD exomes 0.00002.
gnomAD v4.1: 29 of 1,614,124 alleles (0.0018%); highest among the groups gnomAD compares: Non-Finnish European, 0.0025%; no homozygotes.

Submissions (5):

Labcorp Genetics (formerly Invitae), Labcorp
Classification: Likely benign for Familial adenomatous polyposis 2. Last evaluated: 2025-09-03. Review status: criteria provided, single submitter. Criteria: Invitae Variant Classification Sherloc (09022015). Collection method: clinical testing. Allele origin: germline.

All of Us Research Program, National Institutes of Health
Classification: Likely benign for Familial adenomatous polyposis 2. Last evaluated: 2023-10-06. Review status: criteria provided, single submitter. Criteria: ACMG Guidelines, 2015. Collection method: clinical testing. Allele origin: germline. Inheritance: Autosomal recessive inheritance. Observed: 1 variant allele, 1 heterozygote.
Comment: This study involves interpretation of variants in research participants for the purpose of population health screening. Participant phenotype was not available at the time of variant classification. Additional details can be found in publication PMID: 35346344, PMCID: PMC8962531

GeneDx
Classification: Likely benign. Last evaluated: 2019-07-29. Review status: criteria provided, single submitter. Criteria: GeneDx Variant Classification Process June 2021. Collection method: clinical testing. Allele origin: germline. Affected: yes.

Color Diagnostics, LLC DBA Color Health
Classification: Likely benign for Hereditary cancer-predisposing syndrome. Last evaluated: 2017-04-06. Review status: criteria provided, single submitter. Criteria: ACMG Guidelines, 2015. Collection method: clinical testing. Allele origin: germline.

Ambry Genetics
Classification: Likely benign for Hereditary cancer-predisposing syndrome. Last evaluated: 2014-11-06. Review status: criteria provided, single submitter. Criteria: Ambry Variant Classification Scheme 2023. Collection method: clinical testing. Allele origin: germline.

NM_001048174.2(MUTYH):c.663T>C (p.Ile221=)

Gene: MUTYH (mutY DNA glycosylase; minus strand). Cytogenetic location: 1p34.1.
Variant type: single nucleotide variant.
Coding change: c.663T>C on transcript NM_001048174.2 (MANE Select); coding-DNA position 663, T replaced by C.
Protein change: p.Ile221=; no amino-acid change (isoleucine 221 retained).
Molecular consequence: synonymous variant. On other transcripts: non-coding transcript variant (2).
Genome position (GRCh38, 1-based): chr1:45,332,432, A>G on the plus strand (T>C on the coding strand, the complement: MUTYH is on the minus strand). VCF-style: chr1-45332432-A-G. GRCh37 (hg19) VCF-style: chr1-45798104-A-G.
Other names: c.663T>C, p.Ile221= (NM_001048171.2, NM_001048173.2, NM_001293195.2); c.666T>C, p.Ile222= (NM_001048172.2); c.747T>C, p.Ile249= (NM_001128425.2); c.708T>C, p.Ile236= (NM_001293190.2); c.696T>C, p.Ile232= (NM_001293191.2); c.387T>C, p.Ile129= (NM_001293192.2, NM_001293196.2); c.318T>C, p.Ile106= (NM_001350650.2, NM_001350651.2); c.738T>C, p.Ile246= (NM_012222.3).
Identifiers: ClinVar variation 187136 (VCV000187136.18), dbSNP rs577792676, ClinGen allele CA014262.
Genomic context (GRCh38, chr1:45,332,432, plus strand): 5'-TGTTACCCCAACATCCTACCAGAGCTGCTGGGAAACAAGGGTGCTGCTGGGATCAGCACC[A>G]ATGGCTCGGACACGGCACAGCACCCGTGCTACGTTGCCATCCACCACACCGGTTGCCTGG-3'
Protein context (NP_001041639.1, residues 211-231): VARVLCRVRA[Ile221=]GADPSSTLVS